The following is an entry in ClinVar:

ClinVar aggregate classification (germline): Uncertain significance (1 of 4 stars; one submission).

gnomAD v4.1: 8 of 1,604,926 alleles (0.0005%); highest among the groups gnomAD compares: Non-Finnish European, 0.00051%; no homozygotes.

Submission:

GeneDx
Classification: Uncertain significance. Last evaluated: 2025-06-24. Review status: criteria provided, single submitter. Criteria: GeneDx Variant Classification Process June 2021. Collection method: clinical testing. Allele origin: germline. Affected: yes.
Comment: Not observed at significant frequency in large population cohorts (gnomAD); In silico analysis suggests that this missense variant does not alter protein structure/function; Has not been previously published as pathogenic or benign to our knowledge

NM_207037.2(TCF12):c.1573A>T (p.Asn525Tyr)

Gene: TCF12 (transcription factor 12; plus strand). Cytogenetic location: 15q21.3.
Variant type: single nucleotide variant.
Coding change: c.1573A>T on transcript NM_207037.2 (MANE Select); coding-DNA position 1573, A replaced by T.
Protein change: p.Asn525Tyr; replaces asparagine 525 with tyrosine.
Molecular consequence: missense variant.
Genome position (GRCh38, 1-based): chr15:57,262,199, A>T. VCF-style: chr15-57262199-A-T. GRCh37 (hg19) VCF-style: chr15-57554397-A-T.
Other names: c.1063A>T, p.Asn355Tyr (NM_001306219.3); c.793A>T, p.Asn265Tyr (NM_001306220.3); c.1573A>T, p.Asn525Tyr (NM_001322151.2, NM_001322152.2, NM_001322159.3 and 2 more transcripts); c.916A>T, p.Asn306Tyr (NM_001322154.2); c.1399A>T, p.Asn467Tyr (NM_001322156.2); c.1501A>T, p.Asn501Tyr (NM_001322157.3, NM_001322165.2, NM_003205.4 and 1 more transcripts); c.1327A>T, p.Asn443Tyr (NM_001322158.2); c.1570A>T, p.Asn524Tyr (NM_001322161.2); and 2 more; short protein forms N265Y, N306Y, N331Y, N355Y, N443Y, N467Y, N501Y, N513Y.
Identifiers: ClinVar variation 4540379 (VCV004540379.1).